The following is an entry in ClinVar:

NM_001042492.3(NF1):c.2037T>A (p.Ile679=)

Gene: NF1 (neurofibromin 1; plus strand). Cytogenetic location: 17q11.2.
Variant type: single nucleotide variant.
Coding change: c.2037T>A on transcript NM_001042492.3 (MANE Select); coding-DNA position 2037, T replaced by A.
Protein change: p.Ile679=; no amino-acid change (isoleucine 679 retained).
Molecular consequence: synonymous variant.
Genome position (GRCh38, 1-based): chr17:31,226,470, T>A. VCF-style: chr17-31226470-T-A. GRCh37 (hg19) VCF-style: chr17-29553488-T-A.
Other names: c.2037T>A, p.Ile679= (NM_000267.4).
Identifiers: ClinVar variation 3404950 (VCV003404950.10).
Genomic context (GRCh38, chr17:31,226,470, plus strand): 5'-TATGTCTTCCACCCTTGACTCTCAGGATAGTGCAGCAGGATGCAGCGGAACCCCCCCGAT[T>A]TGCCGACAAGCCCAGACCAAACTAGAAGTGGCCCTGTACATGTTTCTGTGGAACCCTGAC-3'
Protein context (NP_001035957.1, residues 669-689): SAAGCSGTPP[Ile679=]CRQAQTKLEV

ClinVar aggregate classification (germline): Likely benign. Review status: criteria provided, multiple submitters, no conflicts (2 of 4 stars). 3 submissions from 3 submitters: Likely benign (3). Last evaluated 2025-08-01.

Conditions:
Cardiovascular phenotype. Identifiers: MedGen CN230736.
Hereditary cancer-predisposing syndrome. Also called: Neoplastic Syndromes, Hereditary; Tumor predisposition; Hereditary Cancer Syndrome; Hereditary neoplastic syndrome. Identifiers: Orphanet 140162, MedGen C0027672, MeSH D009386, MONDO:0015356.

gnomAD v4.1: 12 of 1,613,648 alleles (0.00074%); no homozygotes.

Submissions (3):

CeGaT Center for Human Genetics Tuebingen
Classification: Likely benign. Last evaluated: 2025-08-01. Review status: criteria provided, single submitter. Criteria: CeGaT Center For Human Genetics Tuebingen Variant Classification Criteria Version 2. Collection method: clinical testing. Allele origin: germline. Affected: yes. Observed: 1 variant allele.
Comment: NF1: BP4, BP7

Ambry Genetics
Classification: Likely benign for Cardiovascular phenotype; Hereditary cancer-predisposing syndrome. Last evaluated: 2024-12-02. Review status: criteria provided, single submitter. Criteria: Ambry Variant Classification Scheme 2023. Collection method: clinical testing. Allele origin: germline.

Blueprint Genetics
Classification: Likely benign. Last evaluated: 2019-03-05. Review status: criteria provided, single submitter. Criteria: ACMG Guidelines, 2015. Collection method: clinical testing. Allele origin: germline.